The following is an entry in ClinVar:

NM_016284.5(CNOT1):c.1901A>G (p.Glu634Gly)

Gene: CNOT1 (CCR4-NOT transcription complex subunit 1; minus strand). Cytogenetic location: 16q21.
Variant type: single nucleotide variant.
Coding change: c.1901A>G on transcript NM_016284.5 (MANE Select); coding-DNA position 1901, A replaced by G.
Protein change: p.Glu634Gly; replaces glutamic acid 634 with glycine.
Molecular consequence: missense variant. On other transcripts: non-coding transcript variant (1).
Genome position (GRCh38, 1-based): chr16:58,574,687, T>C on the plus strand (A>G on the coding strand, the complement: CNOT1 is on the minus strand). VCF-style: chr16-58574687-T-C. GRCh37 (hg19) VCF-style: chr16-58608591-T-C.
Other names: c.1901A>G, p.Glu634Gly (NM_001265612.2, NM_206999.3); c.1901A>G (NM_016284.3); short protein forms E634G.
Identifiers: ClinVar variation 3769828 (VCV003769828.2).

ClinVar aggregate classification (germline): Uncertain significance. Review status: criteria provided, multiple submitters, no conflicts (2 of 4 stars). 2 submissions from 2 submitters: Uncertain significance (2). Last evaluated 2025-01-07.

Conditions:
Inborn genetic diseases. Identifiers: MedGen C0950123, MeSH D030342.

gnomAD v4.1: 1 of 1,610,038 alleles (0.000062%); highest among the groups gnomAD compares: Non-Finnish European, 0.000085%; no homozygotes.

Submissions (2):

Ambry Genetics
Classification: Uncertain significance for Inborn genetic diseases. Last evaluated: 2025-01-07. Review status: criteria provided, single submitter. Criteria: Ambry Variant Classification Scheme 2023. Collection method: clinical testing. Allele origin: germline.

GeneDx
Classification: Uncertain significance. Last evaluated: 2024-09-11. Review status: criteria provided, single submitter. Criteria: GeneDx Variant Classification Process June 2021. Collection method: clinical testing. Allele origin: germline. Affected: yes.
Comment: Not observed at significant frequency in large population cohorts (gnomAD); In silico analysis supports that this missense variant has a deleterious effect on protein structure/function; Has not been previously published as pathogenic or benign to our knowledge